The following is an entry in ClinVar:

ClinVar aggregate classification (germline): Pathogenic (1 of 4 stars; one submission).

Conditions:
Familial cancer of breast. Also called: hereditary breast carcinoma; BREAST CANCER, FAMILIAL; Hereditary breast cancer. Identifiers: Orphanet 227535, MedGen C0346153, MONDO:0016419, OMIM 114480. Disease mechanism: loss of function.

Submission:

Labcorp Genetics (formerly Invitae), Labcorp
Classification: Pathogenic for Familial cancer of breast. Last evaluated: 2021-11-04. Review status: criteria provided, single submitter. Criteria: Invitae Variant Classification Sherloc (09022015). Collection method: clinical testing. Allele origin: germline.
Comment: For these reasons, this variant has been classified as Pathogenic. This variant has not been reported in the literature in individuals affected with PALB2-related conditions. This variant is not present in population databases (gnomAD no frequency). This sequence change creates a premature translational stop signal (p.Gly1028Valfs*5) in the PALB2 gene. It is expected to result in an absent or disrupted protein product. Loss-of-function variants in PALB2 are known to be pathogenic (PMID: 17200668, 17200671, 17200672, 24136930, 25099575).

Literature cited by the submitters: PubMed 17200668; PubMed 17200671; PubMed 17200672; PubMed 24136930; PubMed 25099575.

NM_024675.4(PALB2):c.3081del (p.Gly1028fs)

Gene: PALB2 (partner and localizer of BRCA2; minus strand). Cytogenetic location: 16p12.2.
Variant type: Deletion.
Coding change: c.3081del on transcript NM_024675.4 (MANE Select); coding-DNA position 3081, one base deleted (T; older notation c.3081delT).
Protein change: p.Gly1028fs; shifts the reading frame from glycine 1028.
Molecular consequence: frameshift variant.
Genome position (GRCh38, 1-based): chr16:23,621,394, A deleted on the plus strand (T on the coding strand, the reverse complement: PALB2 is on the minus strand); the first of 2 consecutive A bases (chr16:23,621,394-23,621,395); deleting either gives the same sequence. VCF-style (leftmost placement, unchanged base first): chr16-23621393-CA-C. GRCh37 (hg19) VCF-style: chr16-23632714-CA-C.
Other names: short protein forms G1028fs.
Identifiers: ClinVar variation 1437059 (VCV001437059.7), dbSNP rs2142326602, ClinGen allele CA2573152173.